The following is an entry in ClinVar:

NM_000540.3(RYR1):c.7570G>A (p.Val2524Met)

Gene: RYR1 (ryanodine receptor 1; plus strand). Cytogenetic location: 19q13.2.
Variant type: single nucleotide variant.
Coding change: c.7570G>A on transcript NM_000540.3 (MANE Select); coding-DNA position 7570, G replaced by A.
Protein change: p.Val2524Met; replaces valine 2524 with methionine.
Molecular consequence: missense variant.
Genome position (GRCh38, 1-based): chr19:38,500,946, G>A. VCF-style: chr19-38500946-G-A. GRCh37 (hg19) VCF-style: chr19-38991586-G-A.
Other names: c.7570G>A, p.Val2524Met (NM_001042723.2); short protein forms V2524M.
Identifiers: ClinVar variation 3070778 (VCV003070778.3), dbSNP rs1179671142, ClinGen allele CA405670493.

ClinVar aggregate classification (germline): Uncertain significance. Review status: criteria provided, multiple submitters, no conflicts (2 of 4 stars). 2 submissions from 2 submitters: Uncertain significance (2). Last evaluated 2024-05-30.

Conditions:
Malignant hyperthermia, susceptibility to, 1 (MHS1). Also called: Anesthesia related hyperthermia; Malignant hyperpyrexia; Fulminating hyperpyrexia; Pharmacogenic myopathy; RYR1-Related Malignant Hyperthermia Susceptibility; Malignant hyperthermia suceptibility 1. Identifiers: Orphanet 423, MedGen C2930980, MONDO:0007783, OMIM 145600.

Allele frequency attached by ClinVar (database versions not stated): TOPMed below 0.00001; gnomAD exomes 0.00001.
gnomAD v4.1: 16 of 1,613,924 alleles (0.00099%); highest among the groups gnomAD compares: Admixed American, 0.005%; no homozygotes.

Submissions (2):

All of Us Research Program, National Institutes of Health
Classification: Uncertain significance for Malignant hyperthermia, susceptibility to, 1. Last evaluated: 2024-05-30. Review status: criteria provided, single submitter. Criteria: ACMG Guidelines, 2015. Collection method: clinical testing. Allele origin: germline. Inheritance: Autosomal dominant inheritance. Observed: 2 variant alleles, 2 heterozygotes.
Comment: This missense variant replaces valine with methionine at codon 2524 of the RYR1 protein. Computational prediction is inconclusive regarding the impact of this variant on protein structure and function (internally defined REVEL score threshold 0.5 < inconclusive < 0.7, PMID: 27666373). To our knowledge, functional studies have not been reported for this variant. This variant has not been reported in individuals affected with RYR1-related disorders in the literature. This variant has been identified in 5/249402 chromosomes in the general population by the Genome Aggregation Database (gnomAD). The available evidence is insufficient to determine the role of this variant in disease conclusively. Therefore, this variant is classified as a Variant of Uncertain Significance.

This study involves interpretation of variants in research participants for the purpose of population health screening. Participant phenotype was not available at the time of variant classification. Additional details can be found in publication PMID: 35346344, PMCID: PMC8962531

Color Diagnostics, LLC DBA Color Health
Classification: Uncertain significance for Malignant hyperthermia, susceptibility to, 1. Last evaluated: 2024-05-07. Review status: criteria provided, single submitter. Criteria: ACMG Guidelines, 2015. Collection method: clinical testing. Allele origin: germline.
Comment: This missense variant replaces valine with methionine at codon 2524 of the RYR1 protein. Computational prediction is inconclusive regarding the impact of this variant on protein structure and function. To our knowledge, functional studies have not been reported for this variant. This variant has not been reported in individuals affected with RYR1-related disorders in the literature. This variant has been identified in 5/249402 chromosomes in the general population by the Genome Aggregation Database (gnomAD). The available evidence is insufficient to determine the role of this variant in disease conclusively. Therefore, this variant is classified as a Variant of Uncertain Significance.